The following is an entry in ClinVar:

NM_152866.3(MS4A1):c.70C>A (p.Gln24Lys)

Gene: MS4A1 (membrane spanning 4-domains A1; plus strand). Cytogenetic location: 11q12.2.
Variant type: single nucleotide variant.
Coding change: c.70C>A on transcript NM_152866.3 (MANE Select); coding-DNA position 70, C replaced by A.
Protein change: p.Gln24Lys; replaces glutamine 24 with lysine.
Molecular consequence: missense variant.
Genome position (GRCh38, 1-based): chr11:60,462,444, C>A. VCF-style: chr11-60462444-C-A. GRCh37 (hg19) VCF-style: chr11-60229917-C-A.
Other names: c.70C>A, p.Gln24Lys (NM_021950.4, NM_152867.2); short protein forms Q24K.
Identifiers: ClinVar variation 3681655 (VCV003681655.2).

ClinVar aggregate classification (germline): Uncertain significance (1 of 4 stars; one submission).

gnomAD v4.1: 3 of 1,614,194 alleles (0.00019%); highest among the groups gnomAD compares: Admixed American, 0.0017%; no homozygotes.

Submission:

Labcorp Genetics (formerly Invitae), Labcorp
Classification: Uncertain significance. Last evaluated: 2024-02-07. Review status: criteria provided, single submitter. Criteria: Invitae Variant Classification Sherloc (09022015). Collection method: clinical testing. Allele origin: germline.
Comment: This sequence change replaces glutamine, which is neutral and polar, with lysine, which is basic and polar, at codon 24 of the MS4A1 protein (p.Gln24Lys). This variant is present in population databases (no rsID available, gnomAD 0.003%). This variant has not been reported in the literature in individuals affected with MS4A1-related conditions. An algorithm developed to predict the effect of missense changes on protein structure and function (PolyPhen-2) suggests that this variant is likely to be tolerated. In summary, the available evidence is currently insufficient to determine the role of this variant in disease. Therefore, it has been classified as a Variant of Uncertain Significance.